The following is an entry in ClinVar:

ClinVar aggregate classification (germline): Uncertain significance (1 of 4 stars; one submission).

Submission:

Mayo Clinic Laboratories, Mayo Clinic
Classification: Uncertain significance. Last evaluated: 2022-11-04. Review status: criteria provided, single submitter. Criteria: ACMG Guidelines, 2015. Collection method: clinical testing. Allele origin: germline. Observed: 1 variant allele.
Comment: PP3, PM2

NM_000642.3(AGL):c.4114T>G (p.Trp1372Gly)

Gene: AGL (amylo-alpha-1,6-glucosidase and 4-alpha-glucanotransferase; plus strand). Cytogenetic location: 1p21.2.
Variant type: single nucleotide variant.
Coding change: c.4114T>G on transcript NM_000642.3 (MANE Select); coding-DNA position 4114, T replaced by G.
Protein change: p.Trp1372Gly; replaces tryptophan 1372 with glycine.
Molecular consequence: missense variant.
Genome position (GRCh38, 1-based): chr1:99,913,691, T>G. VCF-style: chr1-99913691-T-G. GRCh37 (hg19) VCF-style: chr1-100379247-T-G.
Other names: p.Trp1372Gly; c.4114T>G, p.Trp1372Gly (NM_000028.3, NM_000643.3, NM_000644.3 and 1 more transcripts); c.4066T>G, p.Trp1356Gly (NM_000646.3); c.4093T>G, p.Trp1365Gly (NM_001425326.1); c.3913T>G, p.Trp1305Gly (NM_001425327.1); c.3910T>G, p.Trp1304Gly (NM_001425328.1); c.3775T>G, p.Trp1259Gly (NM_001425329.1); c.3736T>G, p.Trp1246Gly (NM_001425332.1); short protein forms W1246G, W1259G, W1304G, W1305G, W1356G, W1365G, W1372G.
Identifiers: ClinVar variation 2683720 (VCV002683720.1), dbSNP rs2523826344, ClinGen allele CA341340198.